The following is an entry in ClinVar:

NM_000435.3(NOTCH3):c.1024A>G (p.Met342Val)

Gene: NOTCH3 (notch receptor 3; minus strand). Cytogenetic location: 19p13.12.
Variant type: single nucleotide variant.
Coding change: c.1024A>G on transcript NM_000435.3 (MANE Select); coding-DNA position 1024, A replaced by G.
Protein change: p.Met342Val; replaces methionine 342 with valine.
Molecular consequence: missense variant.
Genome position (GRCh38, 1-based): chr19:15,191,436, T>C on the plus strand (A>G on the coding strand, the complement: NOTCH3 is on the minus strand). VCF-style: chr19-15191436-T-C. GRCh37 (hg19) VCF-style: chr19-15302247-T-C.
Other names: short protein forms M342V.
Identifiers: ClinVar variation 2043070 (VCV002043070.3), dbSNP rs373870097, ClinGen allele CA9263737.
Genomic context (GRCh38, chr19:15,191,436, plus strand): 5'-CTCACTAAAAACCATCCATGGCTCCCTGCAGAGAAAACGGCCACTCACCAGTCTTGCCCA[T>C]GGGGCAGGCACAGTAGAAAGAAGCCACGCGGTCATGGCAGGTGGCCCCATGGAAGCACAC-3'
Protein context (NP_000426.2, residues 332-352): RVASFYCACP[Met342Val]GKTGLLCHLD

ClinVar aggregate classification (germline): Uncertain significance (1 of 4 stars; one submission).

Allele frequency attached by ClinVar (database versions not stated): TOPMed 0.00001; gnomAD 0.00003; ESP Exome Variant Server 0.00008.
gnomAD v4.1: 15 of 1,613,192 alleles (0.00093%); highest among the groups gnomAD compares: Admixed American, 0.0017%; no homozygotes.

Submission:

Labcorp Genetics (formerly Invitae), Labcorp
Classification: Uncertain significance. Last evaluated: 2024-08-05. Review status: criteria provided, single submitter. Criteria: Invitae Variant Classification Sherloc (09022015). Collection method: clinical testing. Allele origin: germline.
Comment: This sequence change replaces methionine, which is neutral and non-polar, with valine, which is neutral and non-polar, at codon 342 of the NOTCH3 protein (p.Met342Val). This variant is present in population databases (rs373870097, gnomAD 0.006%). This variant has not been reported in the literature in individuals affected with NOTCH3-related conditions. ClinVar contains an entry for this variant (Variation ID: 2043070). Advanced modeling of protein sequence and biophysical properties (such as structural, functional, and spatial information, amino acid conservation, physicochemical variation, residue mobility, and thermodynamic stability) performed at Invitae indicates that this missense variant is not expected to disrupt NOTCH3 protein function with a negative predictive value of 95%. In summary, the available evidence is currently insufficient to determine the role of this variant in disease. Therefore, it has been classified as a Variant of Uncertain Significance.